The following is an entry in ClinVar:

NM_001904.4(CTNNB1):c.4G>T (p.Ala2Ser)

Gene: CTNNB1 (catenin beta 1; plus strand). Cytogenetic location: 3p22.1.
Variant type: single nucleotide variant.
Coding change: c.4G>T on transcript NM_001904.4 (MANE Select); coding-DNA position 4, G replaced by T.
Protein change: p.Ala2Ser; replaces alanine 2 with serine.
Molecular consequence: missense variant. On other transcripts: 5 prime UTR variant (1).
Genome position (GRCh38, 1-based): chr3:41,224,072, G>T. VCF-style: chr3-41224072-G-T. GRCh37 (hg19) VCF-style: chr3-41265563-G-T.
Other names: c.4G>T, p.Ala2Ser (NM_001098209.2, NM_001098210.2, NM_001438871.1 and 4 more transcripts); c.-150G>T (NM_001330729.2); short protein forms A2S.
Identifiers: ClinVar variation 4529939 (VCV004529939.1).
Genomic context (GRCh38, chr3:41,224,072, plus strand): 5'-TTTTTTTAGGGTATTTGAAGTATACCATACAACTGTTTTGAAAATCCAGCGTGGACAATG[G>T]CTACTCAAGGTTTGTGTCATTAAATCTTTAGTTACTGAATTGGGGCTCTGCTTCGTTGCC-3'
Protein context (NP_001895.1, residues 1-12): M[Ala2Ser]TQADLMELDM

ClinVar aggregate classification (germline): Uncertain significance (1 of 4 stars; one submission).

Submission:

GeneDx
Classification: Uncertain significance. Last evaluated: 2025-05-11. Review status: criteria provided, single submitter. Criteria: GeneDx Variant Classification Process June 2021. Collection method: clinical testing. Allele origin: germline. Affected: yes.
Comment: Not observed at significant frequency in large population cohorts (gnomAD); In silico analysis supports that this missense variant has a deleterious effect on protein structure/function; Has not been previously published as pathogenic or benign to our knowledge